The following is an entry in ClinVar:

ClinVar aggregate classification (germline): Uncertain significance. Review status: criteria provided, multiple submitters, no conflicts (2 of 4 stars). 2 submissions from 2 submitters: Uncertain significance (2). Last evaluated 2024-05-21.

Conditions:
Cardiovascular phenotype. Identifiers: MedGen CN230736.
Long QT syndrome (LQTS). Identifiers: MedGen C0023976, MeSH D008133, MONDO:0002442. Disease mechanism: loss of function. Inheritance: Various modes of inheritance.

Allele frequency attached by ClinVar (database versions not stated): gnomAD exomes 0.00001; TOPMed 0.00003.
gnomAD v4.1: 16 of 1,606,814 alleles (0.001%); highest among the groups gnomAD compares: Non-Finnish European, 0.0013%; no homozygotes.

Submissions (2):

Labcorp Genetics (formerly Invitae), Labcorp
Classification: Uncertain significance for Long QT syndrome. Last evaluated: 2024-05-21. Review status: criteria provided, single submitter. Criteria: Invitae Variant Classification Sherloc (09022015). Collection method: clinical testing. Allele origin: germline.
Comment: This sequence change replaces proline, which is neutral and non-polar, with serine, which is neutral and polar, at codon 1539 of the AKAP9 protein (p.Pro1539Ser). This variant is not present in population databases (gnomAD no frequency). This variant has not been reported in the literature in individuals affected with AKAP9-related conditions. ClinVar contains an entry for this variant (Variation ID: 938040). An algorithm developed to predict the effect of missense changes on protein structure and function (PolyPhen-2) suggests that this variant is likely to be tolerated. In summary, the available evidence is currently insufficient to determine the role of this variant in disease. Therefore, it has been classified as a Variant of Uncertain Significance.

Ambry Genetics
Classification: Uncertain significance for Cardiovascular phenotype. Last evaluated: 2023-08-11. Review status: criteria provided, single submitter. Criteria: Ambry Variant Classification Scheme 2023. Collection method: clinical testing. Allele origin: germline.
Comment: The p.P1539S variant (also known as c.4615C>T), located in coding exon 17 of the AKAP9 gene, results from a C to T substitution at nucleotide position 4615. The proline at codon 1539 is replaced by serine, an amino acid with similar properties. This amino acid position is poorly conserved in available vertebrate species. In addition, this alteration is predicted to be tolerated by in silico analysis. Since supporting evidence is limited at this time, the clinical significance of this alteration remains unclear.

NM_005751.5(AKAP9):c.4615C>T (p.Pro1539Ser)

Gene: AKAP9 (A-kinase anchoring protein 9; plus strand). Cytogenetic location: 7q21.2.
Variant type: single nucleotide variant.
Coding change: c.4615C>T on transcript NM_005751.5 (MANE Select); coding-DNA position 4615, C replaced by T.
Protein change: p.Pro1539Ser; replaces proline 1539 with serine.
Molecular consequence: missense variant.
Genome position (GRCh38, 1-based): chr7:92,038,695, C>T. VCF-style: chr7-92038695-C-T. GRCh37 (hg19) VCF-style: chr7-91668009-C-T.
Other names: c.4615C>T, p.Pro1539Ser (NM_147185.3); short protein forms P1539S.
Identifiers: ClinVar variation 938040 (VCV000938040.12), dbSNP rs916216692, ClinGen allele CA161895702.